The following is an entry in ClinVar:

ClinVar aggregate classification (germline): Likely pathogenic (1 of 4 stars; one submission).

Allele frequency attached by ClinVar (database versions not stated): gnomAD 0.00001; TOPMed 0.00001.

Submission:

GeneDx
Classification: Likely pathogenic. Last evaluated: 2016-12-14. Review status: criteria provided, single submitter. Criteria: GeneDx Variant Classification (06012015). Collection method: clinical testing. Allele origin: germline. Affected: yes.
Comment: The c.1043delA variant has not been published as a pathogenic variant, nor has it been reported as a benign variant to our knowledge. The c.1043delA variant was not observed in approximately 6500 individuals of European and African American ancestry in the NHLBI Exome Sequencing Project, indicating it is not a common benign variant in these populations. The c.1043delA variant causes a frameshift starting with codon Glutamine 348, changes this amino acid to an Arginine residue and creates a premature Stop codon at position 96 of the new reading frame, denoted p.Gln348ArgfsX96. This variant is predicted to cause loss of normal protein function either through protein truncation or nonsense-mediated mRNA decay. In summary, we interpret this variant to be likely pathogenic.

NM_001040716.2(PC):c.1043del (p.Gln348fs)

Gene: PC (pyruvate carboxylase; minus strand). Cytogenetic location: 11q13.2.
Variant type: Deletion.
Coding change: c.1043del on transcript NM_001040716.2 (MANE Select); coding-DNA position 1043, one base deleted (A; older notation c.1043delA).
Protein change: p.Gln348fs; shifts the reading frame from glutamine 348.
Molecular consequence: frameshift variant.
Genome position (GRCh38, 1-based): chr11:66,866,329, T deleted on the plus strand (A on the coding strand, the reverse complement: PC is on the minus strand). VCF-style (leftmost placement, unchanged base first): chr11-66866328-CT-C. GRCh37 (hg19) VCF-style: chr11-66633799-CT-C.
Other names: c.1043del, p.Gln348fs (NM_000920.4, NM_022172.3); short protein forms Q348fs.
Identifiers: ClinVar variation 422831 (VCV000422831.2), dbSNP rs1064796030, ClinGen allele CA16619384.
Genomic context (GRCh38, chr11:66,866,328, plus strand): 5'-GCGGATGTTCTCCTGCCGCAGGCCCAGGTCGGGTAGGCTCCTGCCCTCAGCCACGTGGAT[CT>C]GAGCATGGACCAGGTCTACGCTGTAGGGCATTGGGGGGAGGGGGGAAAGGACGGGAGAAA-3'